The following is an entry in ClinVar:

ClinVar aggregate classification (germline): Uncertain significance (1 of 4 stars; one submission).

Conditions:
Maturity-onset diabetes of the young (MODY). Also called: Maturity onset diabetes mellitus in young. Identifiers: Orphanet 552, MedGen C0342276, MONDO:0018911, HP:0004904.

gnomAD v4.1: 3 of 152,252 alleles (0.002%); highest among the groups gnomAD compares: Admixed American, 0.0065%; no homozygotes.

Submission:

Clinical Genomics, Uppaluri K&H Personalized Medicine Clinic
Classification: Uncertain significance for Maturity-onset diabetes of the young. Review status: criteria provided, single submitter. Criteria: K & H Uppaluri Personalized Medicine Clinic Variant Classification & Assertion Criteria_Updated V.1. Collection method: research. Allele origin: somatic. Inheritance: Autosomal dominant inheritance.
Comment: Mutations in KCNJ11 gene can cause decreased production and secretion of insulin. This can lead to MODY which may be responsive to oral sulfonylureas. It is also associated with Neonatal Diabetes.However, no sufficient evidence is found to ascertain the role of this particular variant (rs955060881) in MODY yet.

Literature cited by the submitters: PubMed 26448950; PubMed 15580558; PubMed 15718250; PubMed 32935446; PubMed 22701567.

NM_000525.4(KCNJ11):c.*1415G>C

Gene: KCNJ11 (potassium inwardly rectifying channel subfamily J member 11; minus strand). Cytogenetic location: 11p15.1.
Variant type: single nucleotide variant.
Coding change: c.*1415G>C on transcript NM_000525.4 (MANE Select); 1415 bases downstream of the stop codon, G replaced by C.
Molecular consequence: 3 prime UTR variant.
Genome position (GRCh38, 1-based): chr11:17,385,504, C>G on the plus strand (G>C on the coding strand, the complement: KCNJ11 is on the minus strand). VCF-style: chr11-17385504-C-G. GRCh37 (hg19) VCF-style: chr11-17407051-C-G.
Other names: c.*1415G>C (NM_001166290.2, NM_001377296.1, NM_001377297.1).
Identifiers: ClinVar variation 1679514 (VCV001679514.1), dbSNP rs955060881, ClinGen allele CA674171360.
Genomic context (GRCh38, chr11:17,385,504, plus strand): 5'-CTAAGTTACTTGACAAAAGTCATACAGCTAGAGCCAGGATTCGAACCCAGGCAGTTGGCT[C>G]GAGAGTTAGTGCTCCAATTACTACACTAATGCCTATGACACCTCTATACCTCTCCCTGGG-3'